The following is an entry in ClinVar:

ClinVar aggregate classification (germline): Uncertain significance (1 of 4 stars; one submission).

Submission:

Labcorp Genetics (formerly Invitae), Labcorp
Classification: Uncertain significance. Last evaluated: 2021-10-27. Review status: criteria provided, single submitter. Criteria: Invitae Variant Classification Sherloc (09022015). Collection method: clinical testing. Allele origin: germline.
Comment: In summary, the available evidence is currently insufficient to determine the role of this variant in disease. Therefore, it has been classified as a Variant of Uncertain Significance. This sequence change replaces serine, a(n) neutral and polar amino acid, with proline, a(n) neutral and non-polar amino acid, at codon 688 of the AP3D1 protein (p.Ser688Pro). This variant is not present in population databases (gnomAD no frequency). This variant has not been reported in the literature in individuals affected with AP3D1-related conditions. Algorithms developed to predict the effect of missense changes on protein structure and function are either unavailable or do not agree on the potential impact of this missense change (SIFT: "Deleterious"; PolyPhen-2: "Benign"; Align-GVGD: "Class C0").

NM_001261826.3(AP3D1):c.2062T>C (p.Ser688Pro)

Gene: AP3D1 (adaptor related protein complex 3 subunit delta 1; minus strand). Cytogenetic location: 19p13.3.
Variant type: single nucleotide variant.
Coding change: c.2062T>C on transcript NM_001261826.3 (MANE Select); coding-DNA position 2062, T replaced by C.
Protein change: p.Ser688Pro; replaces serine 688 with proline.
Molecular consequence: missense variant.
Genome position (GRCh38, 1-based): chr19:2,116,218, A>G on the plus strand (T>C on the coding strand, the complement: AP3D1 is on the minus strand). VCF-style: chr19-2116218-A-G. GRCh37 (hg19) VCF-style: chr19-2116217-A-G.
Other names: c.2062T>C, p.Ser688Pro (NM_001374799.1, NM_003938.8); short protein forms S688P.
Identifiers: ClinVar variation 1389600 (VCV001389600.6), dbSNP rs2145045194, ClinGen allele CA403215602.
Genomic context (GRCh38, chr19:2,116,218, plus strand): 5'-GGTGAGGGTAGAGGGTGCTGAGGGACAGGCACCCGGGGACGGGCCTCACCTTCTGTGGCG[A>G]TGGCGAGCTCTTGATGTAGAAGGGGTTGTTGGCCTGCTCCTGCTTCCGGGCCTCTCGGCG-3'
Protein context (NP_001248755.1, residues 678-698): NNPFYIKSSP[Ser688Pro]PQKRYQDTPG